The following is an entry in ClinVar:

ClinVar aggregate classification (germline): Benign. Review status: criteria provided, multiple submitters, no conflicts (2 of 4 stars). 2 submissions from 2 submitters: Benign (2). Last evaluated 2018-06-16.

Allele frequency attached by ClinVar (database versions not stated): gnomAD exomes 0.47259; gnomAD 0.57389 and 0.57773; TOPMed 0.59893; 1000 Genomes Project 0.62200; 1000 Genomes Project 30x 0.62804.
gnomAD v4.1: 635,588 of 1,309,312 alleles (49%); highest among the groups gnomAD compares: African/African-American, 84%; 159,061 homozygotes.

Submissions (2):

GeneDx
Classification: Benign. Last evaluated: 2018-06-16. Review status: criteria provided, single submitter. Criteria: GeneDx Variant Classification (06012015). Collection method: clinical testing. Allele origin: germline. Affected: yes.
Comment: This variant is considered likely benign or benign based on one or more of the following criteria: it is a conservative change, it occurs at a poorly conserved position in the protein, it is predicted to be benign by multiple in silico algorithms, and/or has population frequency not consistent with disease.

Breakthrough Genomics
Classification: Benign. Review status: criteria provided, single submitter. Criteria: ACMG Guidelines, 2015. Collection method: not provided. Allele origin: germline. Inheritance: Autosomal dominant inheritance. Affected: yes.

NM_133433.4(NIPBL):c.4239+53T>C

Gene: NIPBL (NIPBL cohesin loading factor; plus strand). Cytogenetic location: 5p13.2.
Variant type: single nucleotide variant.
Coding change: c.4239+53T>C on transcript NM_133433.4 (MANE Select); 53 bases into the intron after coding-DNA position 4239, T replaced by C.
Molecular consequence: intron variant.
Genome position (GRCh38, 1-based): chr5:37,007,527, T>C. VCF-style: chr5-37007527-T-C. GRCh37 (hg19) VCF-style: chr5-37007629-T-C.
Other names: c.4239+53T>C (NM_015384.5).
Identifiers: ClinVar variation 673933 (VCV000673933.2), dbSNP rs159753, ClinGen allele CA15367295.
Genomic context (GRCh38, chr5:37,007,527, plus strand): 5'-TTCTTCAGGTAAGATTTTTTGGTAAGCATTTTGTATATTTCTAAACTAAATGATTAAGTC[T>C]AGTATAACCTAGCTCACTCAATAATAAGACCAGCACTATATTATCAAGAATTTTTCCTGT-3'